The following is an entry in ClinVar:

NM_001853.4(COL9A3):c.1175C>A (p.Pro392Gln)

Gene: COL9A3 (collagen type IX alpha 3 chain; plus strand). Cytogenetic location: 20q13.33.
Variant type: single nucleotide variant.
Coding change: c.1175C>A on transcript NM_001853.4 (MANE Select); coding-DNA position 1175, C replaced by A.
Protein change: p.Pro392Gln; replaces proline 392 with glutamine.
Molecular consequence: missense variant.
Genome position (GRCh38, 1-based): chr20:62,830,373, C>A. VCF-style: chr20-62830373-C-A. GRCh37 (hg19) VCF-style: chr20-61461725-C-A.
Other names: short protein forms P392Q.
Identifiers: ClinVar variation 2788050 (VCV002788050.3), dbSNP rs935209000, ClinGen allele CA317334708.

ClinVar aggregate classification (germline): Uncertain significance (1 of 4 stars; one submission).

Allele frequency attached by ClinVar (database versions not stated): gnomAD exomes below 0.00001.
gnomAD v4.1: 1 of 1,573,380 alleles (0.000064%); highest among the groups gnomAD compares: Non-Finnish European, 0.000086%; no homozygotes.

Submission:

Labcorp Genetics (formerly Invitae), Labcorp
Classification: Uncertain significance. Last evaluated: 2023-02-16. Review status: criteria provided, single submitter. Criteria: Invitae Variant Classification Sherloc (09022015). Collection method: clinical testing. Allele origin: germline.
Comment: In summary, the available evidence is currently insufficient to determine the role of this variant in disease. Therefore, it has been classified as a Variant of Uncertain Significance. Advanced modeling of protein sequence and biophysical properties (such as structural, functional, and spatial information, amino acid conservation, physicochemical variation, residue mobility, and thermodynamic stability) performed at Invitae indicates that this missense variant is not expected to disrupt COL9A3 protein function. This sequence change replaces proline, which is neutral and non-polar, with glutamine, which is neutral and polar, at codon 392 of the COL9A3 protein (p.Pro392Gln). This variant is not present in population databases (gnomAD no frequency). This variant has not been reported in the literature in individuals affected with COL9A3-related conditions.